The following is an entry in ClinVar:

NM_030665.4(RAI1):c.2255G>A (p.Gly752Glu)

Gene: RAI1 (retinoic acid induced 1; plus strand). Cytogenetic location: 17p11.2.
Variant type: single nucleotide variant.
Coding change: c.2255G>A on transcript NM_030665.4 (MANE Select); coding-DNA position 2255, G replaced by A.
Protein change: p.Gly752Glu; replaces glycine 752 with glutamic acid.
Molecular consequence: missense variant.
Genome position (GRCh38, 1-based): chr17:17,795,203, G>A. VCF-style: chr17-17795203-G-A. GRCh37 (hg19) VCF-style: chr17-17698517-G-A.
Other names: short protein forms G752E.
Identifiers: ClinVar variation 1720287 (VCV001720287.5), dbSNP rs2508580403, ClinGen allele CA398550563.

ClinVar aggregate classification (germline): Uncertain significance (1 of 4 stars; one submission).

Submission:

Labcorp Genetics (formerly Invitae), Labcorp
Classification: Uncertain significance. Last evaluated: 2022-09-24. Review status: criteria provided, single submitter. Criteria: Invitae Variant Classification Sherloc (09022015). Collection method: clinical testing. Allele origin: germline.
Comment: Advanced modeling of protein sequence and biophysical properties (such as structural, functional, and spatial information, amino acid conservation, physicochemical variation, residue mobility, and thermodynamic stability) performed at Invitae indicates that this missense variant is not expected to disrupt RAI1 protein function. In summary, the available evidence is currently insufficient to determine the role of this variant in disease. Therefore, it has been classified as a Variant of Uncertain Significance. This variant has not been reported in the literature in individuals affected with RAI1-related conditions. This variant is not present in population databases (gnomAD no frequency). This sequence change replaces glycine, which is neutral and non-polar, with glutamic acid, which is acidic and polar, at codon 752 of the RAI1 protein (p.Gly752Glu).